The following is an entry in ClinVar:

ClinVar aggregate classification (germline): Pathogenic (1 of 4 stars; one submission).

Submission:

Labcorp Genetics (formerly Invitae), Labcorp
Classification: Pathogenic. Last evaluated: 2023-01-23. Review status: criteria provided, single submitter. Criteria: Invitae Variant Classification Sherloc (09022015). Collection method: clinical testing. Allele origin: unknown.
Comment: For these reasons, this variant has been classified as Pathogenic. This variant disrupts a region of the EYS protein in which other variant(s) (p.Gly843Glu) have been determined to be pathogenic (PMID: 22302105, 22363543, 29785639, 31814702; Invitae). This suggests that this is a clinically significant region of the protein, and that variants that disrupt it are likely to be disease-causing. This variant has not been reported in the literature in individuals affected with EYS-related conditions. This variant is a gross deletion of the genomic region encompassing exon(s) 14-19 of the EYS gene. This variant would be expected to be in-frame, preserving the integrity of the reading frame.

Literature cited by the submitters: PubMed 22302105; PubMed 22363543; PubMed 29785639; PubMed 31814702.

NC_000006.11:g.(?_65596570)_(65707616_?)del

Gene: EYS (eyes shut homolog; minus strand). Cytogenetic location: 6q12.
Variant type: Deletion.
Identifiers: ClinVar variation 3246106 (VCV003246106.1).